The following is an entry in ClinVar:

NM_000254.3(MTR):c.2315A>G (p.Gln772Arg)

Gene: MTR (5-methyltetrahydrofolate-homocysteine methyltransferase; plus strand). Cytogenetic location: 1q43.
Variant type: single nucleotide variant.
Coding change: c.2315A>G on transcript NM_000254.3 (MANE Select); coding-DNA position 2315, A replaced by G.
Protein change: p.Gln772Arg; replaces glutamine 772 with arginine.
Molecular consequence: missense variant.
Genome position (GRCh38, 1-based): chr1:236,863,464, A>G. VCF-style: chr1-236863464-A-G. GRCh37 (hg19) VCF-style: chr1-237026764-A-G.
Other names: c.2162A>G, p.Gln721Arg (NM_001291939.1); c.1094A>G, p.Gln365Arg (NM_001291940.2); short protein forms Q772R, Q721R, Q365R.
Identifiers: ClinVar variation 1047769 (VCV001047769.9), dbSNP rs750824195, ClinGen allele CA1474354.

ClinVar aggregate classification (germline): Conflicting classifications of pathogenicity. Review status: criteria provided, conflicting classifications (1 of 4 stars). 2 submissions from 2 submitters: Uncertain significance (1); Likely benign (1). Last evaluated 2026-01-01.

Conditions:
Methylcobalamin deficiency type cblG (HMAG). Also called: HOMOCYSTINURIA-MEGALOBLASTIC ANEMIA, cblG TYPE; Functional methionine synthase deficiency type cblG; HOMOCYSTINURIA-MEGALOBLASTIC ANEMIA, cblG COMPLEMENTATION TYPE; HOMOCYSTINURIA-MEGALOBLASTIC ANEMIA DUE TO DEFECT IN COBALAMIN METABOLISM, cblG COMPLEMENTATION TYPE. Identifiers: Orphanet 2170, Orphanet 622, MedGen C1855128, MONDO:0009609, OMIM 250940.

Allele frequency attached by ClinVar (database versions not stated): gnomAD 0.00003 and 0.00004; gnomAD exomes 0.00005 and 0.00015; ExAC 0.00012; TOPMed 0.00014.
gnomAD v4.1: 83 of 1,613,852 alleles (0.0051%); highest among the groups gnomAD compares: Admixed American, 0.05%; no homozygotes.

Submissions (2):

Labcorp Genetics (formerly Invitae), Labcorp
Classification: Likely benign for Methylcobalamin deficiency type cblG. Last evaluated: 2026-01-01. Review status: criteria provided, single submitter. Criteria: Invitae Variant Classification Sherloc (09022015). Collection method: clinical testing. Allele origin: germline.

GeneDx
Classification: Uncertain significance. Last evaluated: 2019-04-03. Review status: criteria provided, single submitter. Criteria: GeneDx Variant Classification Process June 2021. Collection method: clinical testing. Allele origin: germline. Affected: yes.
Comment: In-silico analyses, including protein predictors and evolutionary conservation, support that this variant does not alter protein structure/function; Has not been previously published as pathogenic or benign to our knowledge